The following is an entry in ClinVar:

ClinVar aggregate classification (germline): Pathogenic. Review status: criteria provided, single submitter (1 of 4 stars). 2 submissions from 2 submitters: Pathogenic (1). 1 of the submissions does not count toward it. Last evaluated 2020-01-31.

Conditions:
Angelman syndrome (AS). Also called: HAPPY PUPPET SYNDROME. Identifiers: Orphanet 72, MedGen C0162635, MONDO:0007113, OMIM 105830. Disease mechanism: loss of function. Inheritance: AS is caused by disruption of maternally imprinted UBE3A located within the 15q11.2-q13 Angelman syndrome/Prader-Willi syndrome (AS/PWS) region., imprinting disorder.

Submissions (2):

Labcorp Genetics (formerly Invitae), Labcorp
Classification: Pathogenic for Angelman syndrome. Last evaluated: 2020-01-31. Review status: criteria provided, single submitter. Criteria: Invitae Variant Classification Sherloc (09022015). Collection method: clinical testing. Allele origin: germline.
Comment: For these reasons, this variant has been classified as Pathogenic. Advanced modeling of protein sequence and biophysical properties (such as structural, functional, and spatial information, amino acid conservation, physicochemical variation, residue mobility, and thermodynamic stability) performed at Invitae indicates that this missense variant is expected to disrupt UBE3A protein function. This variant has been observed in individual(s) with Angelman syndrome (PMID: 25212744). In at least one individual the variant was observed to be de novo. ClinVar contains an entry for this variant (Variation ID: 136205). This variant is not present in population databases (ExAC no frequency). This sequence change replaces leucine with proline at codon 237 of the UBE3A protein (p.Leu237Pro). The leucine residue is highly conserved and there is a moderate physicochemical difference between leucine and proline.

Baylor Genetics
Classification: Pathogenic for Angelman Syndrome. Last evaluated: 2014-02-14. Review status: no assertion criteria provided. Collection method: clinical testing. Allele origin: de novo. Affected: yes. Observed: 1 variant allele. Study: UBE3A Mutation Study. Not counted in ClinVar's aggregate classification.
Comment: Data collected from clinical UBE3A sequence analysis results

Literature cited by the submitters: PubMed 25212744 (cited by Labcorp Genetics (formerly Invitae), Labcorp and Baylor Genetics).

NM_130839.5(UBE3A):c.770T>C (p.Leu257Pro)

Genes: SNHG14 (small nucleolar RNA host gene 14; plus strand), UBE3A (ubiquitin protein ligase E3A; minus strand). Cytogenetic location: 15q11.2.
Variant type: single nucleotide variant.
Coding change: c.770T>C on transcript NM_130839.5 (MANE Select); coding-DNA position 770, T replaced by C.
Protein change: p.Leu257Pro; replaces leucine 257 with proline.
Molecular consequence: missense variant. On other transcripts: non-coding transcript variant (1), intron variant (2).
Genome position (GRCh38, 1-based): chr15:25,371,404, A>G on the plus strand (T>C on the coding strand, the complement: UBE3A is on the minus strand). VCF-style: chr15-25371404-A-G. GRCh37 (hg19) VCF-style: chr15-25616551-A-G.
Other names: c.779T>C, p.Leu260Pro (NM_000462.5); c.770T>C, p.Leu257Pro (NM_001354505.1, NM_001354538.2, NM_001354545.2); c.710T>C, p.Leu237Pro (NM_001354506.2, NM_001354507.2, NM_001354508.2 and 17 more transcripts); c.593T>C, p.Leu198Pro (NM_001354546.2); c.301+4061T>C (NM_001354551.2); c.361+4061T>C (NM_001354550.2); short protein forms L237P, L198P, L257P, L260P.
Identifiers: ClinVar variation 136205 (VCV000136205.8), dbSNP rs587780582, ClinGen allele CA333484.